The following is an entry in ClinVar:

ClinVar aggregate classification (germline): Uncertain significance. Review status: criteria provided, multiple submitters, no conflicts (2 of 4 stars). 5 submissions from 5 submitters: Uncertain significance (5). Last evaluated 2024-05-14.

Conditions:
Dilated cardiomyopathy 1II (CMD1II). Identifiers: Orphanet 154, MedGen C3554649, MONDO:0014073, OMIM 615184.
Cardiovascular phenotype. Identifiers: MedGen CN230736.
Cataract 16 multiple types. Also called: CATARACT, CONGENITAL LAMELLAR; CATARACT 16, CONGENITAL LAMELLAR; CATARACT 16, POSTERIOR POLAR. Identifiers: Orphanet 91492, Orphanet 98992, Orphanet 98993, Orphanet 98995, MedGen C3808377, MONDO:0013411, OMIM 613763.

gnomAD v4.1: 9 of 1,611,328 alleles (0.00056%); highest among the groups gnomAD compares: South Asian, 0.0022%; no homozygotes.

Submissions (5):

Revvity Omics, Revvity
Classification: Uncertain significance. Last evaluated: 2024-05-14. Review status: criteria provided, single submitter. Criteria: ACMG Guidelines, 2015. Collection method: clinical testing. Allele origin: germline.

Ambry Genetics
Classification: Uncertain significance for Cardiovascular phenotype. Last evaluated: 2023-06-14. Review status: criteria provided, single submitter. Criteria: Ambry Variant Classification Scheme 2023. Collection method: clinical testing. Allele origin: germline.
Comment: The p.G29R variant (also known as c.85G>A), located in coding exon 1 of the CRYAB gene, results from a G to A substitution at nucleotide position 85. The glycine at codon 29 is replaced by arginine, an amino acid with dissimilar properties. This amino acid position is highly conserved in available vertebrate species. In addition, this alteration is predicted to be deleterious by in silico analysis. Since supporting evidence is limited at this time, the clinical significance of this alteration remains unclear.

GeneDx
Classification: Uncertain significance. Last evaluated: 2022-10-12. Review status: criteria provided, single submitter. Criteria: GeneDx Variant Classification Process June 2021. Collection method: clinical testing. Allele origin: germline. Affected: yes.
Comment: Not observed at significant frequency in large population cohorts (gnomAD); In silico analysis supports that this missense variant has a deleterious effect on protein structure/function; Has not been previously published as pathogenic or benign to our knowledge

Labcorp Genetics (formerly Invitae), Labcorp
Classification: Uncertain significance for Dilated cardiomyopathy 1II. Last evaluated: 2022-04-15. Review status: criteria provided, single submitter. Criteria: Invitae Variant Classification Sherloc (09022015). Collection method: clinical testing. Allele origin: germline.
Comment: In summary, the available evidence is currently insufficient to determine the role of this variant in disease. Therefore, it has been classified as a Variant of Uncertain Significance. Algorithms developed to predict the effect of missense changes on protein structure and function are either unavailable or do not agree on the potential impact of this missense change (SIFT: "Deleterious"; PolyPhen-2: "Probably Damaging"; Align-GVGD: "Class C0"). This variant has not been reported in the literature in individuals affected with CRYAB-related conditions. This variant is present in population databases (rs148500053, gnomAD 0.004%). This sequence change replaces glycine, which is neutral and non-polar, with arginine, which is basic and polar, at codon 29 of the CRYAB protein (p.Gly29Arg).

Department of Pathology and Laboratory Medicine, Sinai Health System
Classification: Uncertain significance for cataract 16 multiple types. Last evaluated: 2020-05-08. Review status: criteria provided, single submitter. Criteria: ACMG Guidelines, 2015. Collection method: research. Allele origin: germline.

NM_001289808.2(CRYAB):c.85G>A (p.Gly29Arg)

Gene: CRYAB (crystallin alpha B; minus strand). Cytogenetic location: 11q23.1.
Variant type: single nucleotide variant.
Coding change: c.85G>A on transcript NM_001289808.2 (MANE Select); coding-DNA position 85, G replaced by A.
Protein change: p.Gly29Arg; replaces glycine 29 with arginine.
Molecular consequence: missense variant.
Genome position (GRCh38, 1-based): chr11:111,911,640, C>T on the plus strand (G>A on the coding strand, the complement: CRYAB is on the minus strand). VCF-style: chr11-111911640-C-T. GRCh37 (hg19) VCF-style: chr11-111782364-C-T.
Other names: c.85G>A, p.Gly29Arg (NM_001289807.1, NM_001368245.1, NM_001885.3); short protein forms G29R.
Identifiers: ClinVar variation 1388843 (VCV001388843.14), dbSNP rs148500053, ClinGen allele CA6275576.